The following is an entry in ClinVar:

NM_013275.6(ANKRD11):c.5989G>A (p.Ala1997Thr)

Gene: ANKRD11 (ankyrin repeat domain 11; minus strand). Cytogenetic location: 16q24.3.
Variant type: single nucleotide variant.
Coding change: c.5989G>A on transcript NM_013275.6 (MANE Select); coding-DNA position 5989, G replaced by A.
Protein change: p.Ala1997Thr; replaces alanine 1997 with threonine.
Molecular consequence: missense variant.
Genome position (GRCh38, 1-based): chr16:89,280,553, C>T on the plus strand (G>A on the coding strand, the complement: ANKRD11 is on the minus strand). VCF-style: chr16-89280553-C-T. GRCh37 (hg19) VCF-style: chr16-89346961-C-T.
Other names: c.5989G>A, p.Ala1997Thr (NM_001256182.2, NM_001256183.2); short protein forms A1997T.
Identifiers: ClinVar variation 2230850 (VCV002230850.5), dbSNP rs775491352, ClinGen allele CA8241645.
Genomic context (GRCh38, chr16:89,280,553, plus strand): 5'-CGGGGTACGGCGCCTCCGAGGCGCTGAAGGGCCCTGGGGCGGCAGAGTGGAGGGGGTCCG[C>T]GGGGCAGAAACGCTTTGGGGACTCGGGGAATCTCTGTGGAGACTTCAGCAGGAGGTCCGA-3'
Protein context (NP_037407.4, residues 1987-2007): FPESPKRFCP[Ala1997Thr]DPLHSAAPGP

ClinVar aggregate classification (germline): Conflicting classifications of pathogenicity. Review status: criteria provided, conflicting classifications (1 of 4 stars). 2 submissions from 2 submitters: Uncertain significance (1); Likely benign (1). Last evaluated 2024-12-19.

Conditions:
KBG syndrome (KBGS). Also called: ANKRD11-Related KBG Syndrome. Identifiers: Orphanet 2332, MedGen C0220687, MONDO:0007846, OMIM 148050.
Inborn genetic diseases. Identifiers: MedGen C0950123, MeSH D030342.

Allele frequency attached by ClinVar (database versions not stated): gnomAD 0.00003; ExAC 0.00005; TOPMed 0.00005.
gnomAD v4.1: 20 of 1,612,748 alleles (0.0012%); highest among the groups gnomAD compares: African/African-American, 0.016%; no homozygotes.

Submissions (2):

Labcorp Genetics (formerly Invitae), Labcorp
Classification: Uncertain significance for KBG syndrome. Last evaluated: 2024-12-19. Review status: criteria provided, single submitter. Criteria: Invitae Variant Classification Sherloc (09022015). Collection method: clinical testing. Allele origin: germline.
Comment: This sequence change replaces alanine, which is neutral and non-polar, with threonine, which is neutral and polar, at codon 1997 of the ANKRD11 protein (p.Ala1997Thr). This variant is present in population databases (rs775491352, gnomAD 0.03%). This variant has not been reported in the literature in individuals affected with ANKRD11-related conditions. ClinVar contains an entry for this variant (Variation ID: 2230850). Invitae Evidence Modeling of protein sequence and biophysical properties (such as structural, functional, and spatial information, amino acid conservation, physicochemical variation, residue mobility, and thermodynamic stability) indicates that this missense variant is not expected to disrupt ANKRD11 protein function with a negative predictive value of 95%. In summary, the available evidence is currently insufficient to determine the role of this variant in disease. Therefore, it has been classified as a Variant of Uncertain Significance.

Ambry Genetics
Classification: Likely benign for Inborn genetic diseases. Last evaluated: 2021-04-17. Review status: criteria provided, single submitter. Criteria: Ambry Variant Classification Scheme 2023. Collection method: clinical testing. Allele origin: germline.